The following is an entry in ClinVar:

ClinVar aggregate classification (germline): Likely benign. Review status: criteria provided, multiple submitters, no conflicts (2 of 4 stars). 2 submissions from 2 submitters: Likely benign (2). Last evaluated 2025-04-30.

Allele frequency attached by ClinVar (database versions not stated): gnomAD 0.00001; gnomAD exomes 0.00001; ExAC 0.00002; TOPMed 0.00002; 1000 Genomes Project 0.00020; 1000 Genomes Project 30x 0.00031.
gnomAD v4.1: 20 of 1,606,312 alleles (0.0012%); highest among the groups gnomAD compares: Middle Eastern, 0.017%; no homozygotes.

Submissions (2):

Women's Health and Genetics/Laboratory Corporation of America, LabCorp
Classification: Likely benign. Last evaluated: 2025-04-30. Review status: criteria provided, single submitter. Criteria: LabCorp Variant Classification Summary - May 2015. Collection method: clinical testing. Allele origin: germline.
Comment: Variant summary: A2ML1 c.1248+7A>G alters a non-conserved nucleotide located at a position not widely known to affect splicing. Consensus agreement among computation tools predict no significant impact on normal splicing. However, these predictions have yet to be confirmed by functional studies. The variant allele was found at a frequency of 1.2e-05 in 243376 control chromosomes. The available data on variant occurrences in the general population are insufficient to allow any conclusion about variant significance. To our knowledge, no occurrence of c.1248+7A>G in individuals affected with A2ML1-related conditions and no experimental evidence demonstrating its impact on protein function have been reported. ClinVar contains an entry for this variant (Variation ID: 1192213). Based on the evidence outlined above, the variant was classified as likely benign.

Labcorp Genetics (formerly Invitae), Labcorp
Classification: Likely benign. Last evaluated: 2025-01-22. Review status: criteria provided, single submitter. Criteria: Invitae Variant Classification Sherloc (09022015). Collection method: clinical testing. Allele origin: germline.

NM_144670.6(A2ML1):c.1248+7A>G

Gene: A2ML1 (alpha-2-macroglobulin like 1; plus strand). Cytogenetic location: 12p13.31.
Variant type: single nucleotide variant.
Coding change: c.1248+7A>G on transcript NM_144670.6 (MANE Select); 7 bases into the intron after coding-DNA position 1248, A replaced by G.
Molecular consequence: intron variant.
Genome position (GRCh38, 1-based): chr12:8,841,543, A>G. VCF-style: chr12-8841543-A-G. GRCh37 (hg19) VCF-style: chr12-8994139-A-G.
Identifiers: ClinVar variation 1192213 (VCV001192213.6), dbSNP rs765019682, ClinGen allele CA6435576.